The following is an entry in ClinVar:

ClinVar aggregate classification (germline): Uncertain significance (1 of 4 stars; one submission).

Conditions:
Dilated cardiomyopathy 1JJ (CMD1JJ). Identifiers: Orphanet 154, MedGen C3808935, MONDO:0014095, OMIM 615235.

Submission:

Labcorp Genetics (formerly Invitae), Labcorp
Classification: Uncertain significance for Dilated cardiomyopathy 1JJ. Last evaluated: 2025-07-28. Review status: criteria provided, single submitter. Criteria: Invitae Variant Classification Sherloc (09022015). Collection method: clinical testing. Allele origin: germline.
Comment: This sequence change creates a premature translational stop signal (p.Asn192Ilefs*6) in the LAMA4 gene. It is expected to result in an absent or disrupted protein product. However, the current clinical and genetic evidence is not sufficient to establish whether loss-of-function variants in LAMA4 cause disease. This variant is not present in population databases (gnomAD no frequency). This variant has not been reported in the literature in individuals affected with LAMA4-related conditions. ClinVar contains an entry for this variant (Variation ID: 1433685). In summary, the available evidence is currently insufficient to determine the role of this variant in disease. Therefore, it has been classified as a Variant of Uncertain Significance.

NM_001105206.3(LAMA4):c.575del (p.Asn192fs)

Gene: LAMA4 (laminin subunit alpha 4; minus strand). Cytogenetic location: 6q21.
Variant type: Deletion.
Coding change: c.575del on transcript NM_001105206.3 (MANE Select); coding-DNA position 575, one base deleted (A; older notation c.575delA).
Protein change: p.Asn192fs; shifts the reading frame from asparagine 192.
Molecular consequence: frameshift variant.
Genome position (GRCh38, 1-based): chr6:112,191,779, T deleted on the plus strand (A on the coding strand, the reverse complement: LAMA4 is on the minus strand); the first of 3 consecutive T bases (chr6:112,191,779-112,191,781); deleting any one gives the same sequence. VCF-style (leftmost placement, unchanged base first): chr6-112191778-AT-A. GRCh37 (hg19) VCF-style: chr6-112512980-AT-A.
Other names: c.575del, p.Asn192fs (NM_001105207.3, NM_002290.5); short protein forms N192fs.
Identifiers: ClinVar variation 1433685 (VCV001433685.6), dbSNP rs2114966010, ClinGen allele CA2573140409.